The following is an entry in ClinVar:

NM_001005273.3(CHD3):c.3514C>T (p.Arg1172Trp)

Gene: CHD3 (chromodomain helicase DNA binding protein 3; plus strand). Cytogenetic location: 17p13.1.
Variant type: single nucleotide variant.
Coding change: c.3514C>T on transcript NM_001005273.3 (MANE Select); coding-DNA position 3514, C replaced by T.
Protein change: p.Arg1172Trp; replaces arginine 1172 with tryptophan.
Molecular consequence: missense variant.
Genome position (GRCh38, 1-based): chr17:7,903,290, C>T. VCF-style: chr17-7903290-C-T. GRCh37 (hg19) VCF-style: chr17-7806608-C-T.
Other names: c.3691C>T, p.Arg1231Trp (NM_001005271.3); c.3514C>T, p.Arg1172Trp (NM_005852.4); short protein forms R1172W, R1231W.
Identifiers: ClinVar variation 1285596 (VCV001285596.9), dbSNP rs867862540, ClinGen allele CA287494962.

ClinVar aggregate classification (germline): Pathogenic/Likely pathogenic. Review status: criteria provided, multiple submitters, no conflicts (2 of 4 stars). 4 submissions from 4 submitters: Pathogenic (1); Likely pathogenic (3). Last evaluated 2026-08-09.

Conditions:
Snijders Blok-Campeau syndrome. Also called: INTELLECTUAL DEVELOPMENTAL DISORDER WITH MACROCEPHALY, SPEECH DELAY, AND DYSMORPHIC FACIES. Identifiers: Orphanet 599082, MedGen C4748701, MONDO:0032600, OMIM 618205.

Submissions (4):

GeneDx
Classification: Pathogenic. Last evaluated: 2026-08-09. Review status: criteria provided, single submitter. Criteria: GeneDx Variant Classification Process June 2021. Collection method: clinical testing. Allele origin: germline.
Comment: Not observed at significant frequency in large population cohorts (gnomAD); In silico analysis supports that this missense variant has a deleterious effect on protein structure/function; This variant is associated with the following publications: (PMID: 40212794, 39213953, 35982159, 35982160, 37086723, 38178268, 38958063)

Department of Genetics, Rouen University Hospital, Normandy Center for Genomic and Personalized Medicine
Classification: Likely pathogenic for Snijders Blok-Campeau syndrome. Last evaluated: 2021-12-09. Review status: criteria provided, single submitter. Criteria: ACMG Guidelines, 2015. Collection method: clinical testing. Allele origin: de novo. Affected: yes.

Institute of Human Genetics, University of Leipzig Medical Center
Classification: Likely pathogenic for Snijders Blok-Campeau syndrome. Last evaluated: 2020-09-28. Review status: criteria provided, single submitter. Criteria: ACMG Guidelines, 2015. Collection method: clinical testing. Allele origin: unknown. Affected: yes.

Revvity Omics, Revvity
Classification: Likely pathogenic for Snijders Blok-Campeau syndrome. Last evaluated: 2020-01-13. Review status: criteria provided, single submitter. Criteria: ACMG Guidelines, 2015. Collection method: clinical testing. Allele origin: germline.